The following is an entry in ClinVar:

ClinVar aggregate classification (germline): Benign (1 of 4 stars; one submission).

gnomAD v4.1: 549 of 1,614,026 alleles (0.034%); highest among the groups gnomAD compares: East Asian, 1.1%; 2 homozygotes.

Submission:

Women's Health and Genetics/Laboratory Corporation of America, LabCorp
Classification: Benign. Last evaluated: 2026-06-04. Review status: criteria provided, single submitter. Criteria: LabCorp Variant Classification Summary - May 2015. Collection method: clinical testing. Allele origin: germline.
Comment: Variant summary: PAPPA2 c.689G>C (p.Arg230Thr) results in a non-conservative amino acid change in the encoded protein sequence. Algorithms developed to predict the effect of missense changes on protein structure and function are either unavailable or do not agree on the potential impact of this missense change. The variant allele was found at a frequency of 0.001 in 249424 control chromosomes, predominantly at a frequency of 0.014 within the East Asian subpopulation in the gnomAD database, including 3 homozygotes. The observed variant frequency within East Asian control individuals in the gnomAD database exceeds the estimated maximal expected allele frequency for disease-causing variants in PAPPA2. To our knowledge, no occurrence of c.689G>C in individuals affected with PAPPA2-related conditions and no experimental evidence demonstrating its impact on protein function have been reported. No submitters have cited clinical-significance assessments for this variant to ClinVar. Based on the evidence outlined above, the variant was classified as benign.

NM_020318.3(PAPPA2):c.689G>C (p.Arg230Thr)

Genes: PAPPA2 (pappalysin 2; plus strand), LOC126805929 (MED14-independent group 3 enhancer GRCh37_chr1:176525984-176527183; plus strand). Cytogenetic location: 1q25.2.
Variant type: single nucleotide variant.
Coding change: c.689G>C on transcript NM_020318.3 (MANE Select); coding-DNA position 689, G replaced by C.
Protein change: p.Arg230Thr; replaces arginine 230 with threonine.
Molecular consequence: missense variant.
Genome position (GRCh38, 1-based): chr1:176,557,011, G>C. VCF-style: chr1-176557011-G-C. GRCh37 (hg19) VCF-style: chr1-176526147-G-C.
Other names: c.689G>C, p.Arg230Thr (NM_021936.3); short protein forms R230T.
Identifiers: ClinVar variation 4887522 (VCV004887522.1).